The following is an entry in ClinVar:

ClinVar aggregate classification (germline): Likely benign (1 of 4 stars; one submission).

Allele frequency attached by ClinVar (database versions not stated): 1000 Genomes Project 30x 0.00031.

Submission:

CeGaT Center for Human Genetics Tuebingen
Classification: Likely benign. Last evaluated: 2026-04-01. Review status: criteria provided, single submitter. Criteria: CeGaT Center For Human Genetics Tuebingen Variant Classification Criteria Version 2. Collection method: clinical testing. Allele origin: germline. Affected: yes. Observed: 4 variant alleles.
Comment: AHNAK2: BP4, BP7

NM_138420.4(AHNAK2):c.3408G>A (p.Pro1136=)

Gene: AHNAK2 (AHNAK nucleoprotein 2; minus strand). Cytogenetic location: 14q32.33.
Variant type: single nucleotide variant.
Coding change: c.3408G>A on transcript NM_138420.4 (MANE Select); coding-DNA position 3408, G replaced by A.
Protein change: p.Pro1136=; no amino-acid change (proline 1136 retained).
Molecular consequence: synonymous variant.
Genome position (GRCh38, 1-based): chr14:104,952,043, C>T on the plus strand (G>A on the coding strand, the complement: AHNAK2 is on the minus strand). VCF-style: chr14-104952043-C-T. GRCh37 (hg19) VCF-style: chr14-105418380-C-T.
Other names: c.3108G>A, p.Pro1036= (NM_001350929.2).
Identifiers: ClinVar variation 2644852 (VCV002644852.24), dbSNP rs201573476, ClinGen allele CA7383053.